The following is an entry in ClinVar:

Conditions:
Breast-ovarian cancer, familial, susceptibility to, 1 (BROVCA1). Also called: BRCA1 Hereditary Breast and Ovarian Cancer; OVARIAN CANCER, SUSCEPTIBILITY TO. Identifiers: Orphanet 145, MedGen C2676676, MONDO:0011450, OMIM 604370. Disease mechanism: loss of function.

Submission:

Brotman Baty Institute, University of Washington
No classification provided (evidence only). Condition: Breast-ovarian cancer, familial 1. Review status: no classification provided. Collection method: in vitro. Allele origin: not applicable. Functional consequence: functionally_normal.
ClinVar note: "not provided" was previously submitted as the classification for the variant. However, the classification appeared to be based only on an observation of functional data so it was converted to no classification on 2025-07-30.

NM_007294.4(BRCA1):c.10T>G (p.Ser4Ala)

Gene: BRCA1 (BRCA1 DNA repair associated; minus strand). Cytogenetic location: 17q21.31.
Variant type: single nucleotide variant.
Coding change: c.10T>G on transcript NM_007294.4 (MANE Select); coding-DNA position 10, T replaced by G.
Protein change: p.Ser4Ala; replaces serine 4 with alanine.
Molecular consequence: missense variant. On other transcripts: 5 prime UTR variant (1), non-coding transcript variant (1).
Genome position (GRCh38, 1-based): chr17:43,124,087, A>C on the plus strand (T>G on the coding strand, the complement: BRCA1 is on the minus strand). VCF-style: chr17-43124087-A-C. GRCh37 (hg19) VCF-style: chr17-41276104-A-C.
Other names: c.-255T>G (NM_001408497.1, NM_001407741.1, NM_001407934.1); c.-78T>G (NM_001408498.1, NM_007297.4, NM_001407698.1 and 23 more transcripts); c.-251T>G (NM_001408499.1, NM_001408500.1, NM_001408503.1 and 22 more transcripts); c.-248T>G (NM_001408501.1, NM_001407694.1, NM_001407724.1 and 11 more transcripts); c.-179T>G (NM_001408502.1, NM_001408506.1, NM_001408507.1 and 46 more transcripts); c.-298T>G (NM_001408513.1, NM_001407917.1, NM_001407954.1); c.10T>G, p.Ser4Ala (NM_007298.4, NM_007299.4, NM_007300.4 and 193 more transcripts); c.-252T>G (NM_001407695.1, NM_001408465.1); and 8 more; short protein forms S4A.
Identifiers: ClinVar variation 864990 (VCV000864990.3), dbSNP rs876658707, ClinGen allele CA10602138.